The following is an entry in ClinVar:

ClinVar aggregate classification (germline): Conflicting classifications of pathogenicity. Review status: criteria provided, conflicting classifications (1 of 4 stars). 2 submissions from 2 submitters: Uncertain significance (1); Likely benign (1). Last evaluated 2023-07-01.

Conditions:
Peroxisome biogenesis disorder 10A (Zellweger). Also called: Peroxisome biogenesis disorder 10A. Identifiers: Orphanet 912, MedGen C3553999, MONDO:0013948, OMIM 614882.

Allele frequency attached by ClinVar (database versions not stated): 1000 Genomes Project 30x 0.00250; 1000 Genomes Project 0.00300; gnomAD 0.00495; TOPMed 0.00500; gnomAD exomes 0.00608.
gnomAD v4.1: 2,125 of 374,232 alleles (0.57%); highest among the groups gnomAD compares: Non-Finnish European, 0.77%; 14 homozygotes.

Submissions (2):

CeGaT Center for Human Genetics Tuebingen
Classification: Likely benign. Last evaluated: 2023-07-01. Review status: criteria provided, single submitter. Criteria: CeGaT Center For Human Genetics Tuebingen Variant Classification Criteria Version 2. Collection method: clinical testing. Allele origin: germline. Affected: yes. Observed: 2 variant alleles.
Comment: PEX3: BS2

Illumina Laboratory Services, Illumina
Classification: Uncertain significance for Peroxisome biogenesis disorder 10A (Zellweger). Last evaluated: 2018-01-12. Review status: criteria provided, single submitter. Criteria: ICSL Variant Classification Criteria 13 December 2019. Collection method: clinical testing. Allele origin: germline.

NM_003630.3(PEX3):c.*220G>A

Gene: PEX3 (peroxisomal biogenesis factor 3; plus strand). Cytogenetic location: 6q24.2.
Variant type: single nucleotide variant.
Coding change: c.*220G>A on transcript NM_003630.3 (MANE Select); 220 bases downstream of the stop codon, G replaced by A.
Molecular consequence: 3 prime UTR variant.
Genome position (GRCh38, 1-based): chr6:143,489,446, G>A. VCF-style: chr6-143489446-G-A. GRCh37 (hg19) VCF-style: chr6-143810583-G-A.
Identifiers: ClinVar variation 355579 (VCV000355579.29), dbSNP rs117247312, ClinGen allele CA10621541.